The following is an entry in ClinVar:

NM_144658.4(DOCK11):c.1586G>T (p.Trp529Leu)

Gene: DOCK11 (dedicator of cytokinesis 11; plus strand). Cytogenetic location: Xq24.
Variant type: single nucleotide variant.
Coding change: c.1586G>T on transcript NM_144658.4 (MANE Select); coding-DNA position 1586, G replaced by T.
Protein change: p.Trp529Leu; replaces tryptophan 529 with leucine.
Molecular consequence: missense variant.
Genome position (GRCh38, 1-based): chrX:118,580,170, G>T. VCF-style: chrX-118580170-G-T. GRCh37 (hg19) VCF-style: chrX-117714133-G-T.
Other names: short protein forms W529L.
Identifiers: ClinVar variation 3384381 (VCV003384381.1).

ClinVar aggregate classification (germline): Uncertain significance (1 of 4 stars; one submission).

gnomAD v4.1: 1 of 1,203,685 alleles (0.000083%); highest among the groups gnomAD compares: African/African-American, 0.0018%; no homozygotes.

Submission:

GeneDx
Classification: Uncertain significance. Last evaluated: 2023-01-30. Review status: criteria provided, single submitter. Criteria: GeneDx Variant Classification Process June 2021. Collection method: clinical testing. Allele origin: germline. Affected: yes.
Comment: Not observed at significant frequency in large population cohorts (gnomAD); In silico analysis supports that this missense variant has a deleterious effect on protein structure/function; Has not been previously published as pathogenic or benign to our knowledge; Variants in candidate genes are classified as variants of uncertain significance in accordance with ACMG guidelines (Richards et al., 2015)